The following is an entry in ClinVar:

NM_206933.4(USH2A):c.2186G>A (p.Cys729Tyr)

Gene: USH2A (usherin; minus strand). Cytogenetic location: 1q41.
Variant type: single nucleotide variant.
Coding change: c.2186G>A on transcript NM_206933.4 (MANE Select); coding-DNA position 2186, G replaced by A.
Protein change: p.Cys729Tyr; replaces cysteine 729 with tyrosine.
Molecular consequence: missense variant.
Genome position (GRCh38, 1-based): chr1:216,247,208, C>T on the plus strand (G>A on the coding strand, the complement: USH2A is on the minus strand). VCF-style: chr1-216247208-C-T. GRCh37 (hg19) VCF-style: chr1-216420550-C-T.
Other names: c.2186G>A, p.Cys729Tyr (NM_007123.6); short protein forms C729Y.
Identifiers: ClinVar variation 866389 (VCV000866389.12), dbSNP rs780709977, ClinGen allele CA1396269.
Genomic context (GRCh38, chr1:216,247,208, plus strand): 5'-CACTGGCAGGGCTCACATCCAACATCATTAAAGCTTCGGAGAAATTTAAATCCAAAATTG[C>T]AATGATCACACCTAAGCCCTAAAGATAAAATATATTTAAAAGGTGAGGATGGGAAAATGA-3'
Protein context (NP_996816.3, residues 719-739): ANVIGLRCDH[Cys729Tyr]NFGFKFLRSF

ClinVar aggregate classification (germline): Conflicting classifications of pathogenicity. Review status: criteria provided, conflicting classifications (1 of 4 stars). 2 submissions from 2 submitters: Likely pathogenic (1); Uncertain significance (1). Last evaluated 2024-01-28.

Allele frequency attached by ClinVar (database versions not stated): gnomAD exomes below 0.00001 and 0.00001; ExAC 0.00001; gnomAD 0.00001; TOPMed 0.00001.
gnomAD v4.1: 4 of 1,613,764 alleles (0.00025%); highest among the groups gnomAD compares: Admixed American, 0.005%; no homozygotes.

Submissions (2):

Labcorp Genetics (formerly Invitae), Labcorp
Classification: Likely pathogenic. Last evaluated: 2024-01-28. Review status: criteria provided, single submitter. Criteria: Invitae Variant Classification Sherloc (09022015). Collection method: clinical testing. Allele origin: germline.
Comment: This sequence change replaces cysteine, which is neutral and slightly polar, with tyrosine, which is neutral and polar, at codon 729 of the USH2A protein (p.Cys729Tyr). This variant is present in population databases (rs780709977, gnomAD 0.006%). This missense change has been observed in individual(s) with clinical features of retinitis pigmentosa (Invitae). In at least one individual the data is consistent with being in trans (on the opposite chromosome) from a pathogenic variant. ClinVar contains an entry for this variant (Variation ID: 866389). Advanced modeling of protein sequence and biophysical properties (such as structural, functional, and spatial information, amino acid conservation, physicochemical variation, residue mobility, and thermodynamic stability) performed at Invitae indicates that this missense variant is expected to disrupt USH2A protein function with a positive predictive value of 95%. This variant disrupts the p.Cys729 amino acid residue in USH2A. Other variant(s) that disrupt this residue have been observed in individuals with USH2A-related conditions (Invitae), which suggests that this may be a clinically significant amino acid residue. In summary, the currently available evidence indicates that the variant is pathogenic, but additional data are needed to prove that conclusively. Therefore, this variant has been classified as Likely Pathogenic.

Blueprint Genetics
Classification: Uncertain significance. Last evaluated: 2019-07-09. Review status: criteria provided, single submitter. Criteria: ACMG Guidelines, 2015. Collection method: clinical testing. Allele origin: germline.